The following is an entry in ClinVar:

NM_170606.3(KMT2C):c.1622-6del

Gene: KMT2C (lysine methyltransferase 2C; minus strand). Cytogenetic location: 7q36.1.
Variant type: Deletion.
Coding change: c.1622-6del on transcript NM_170606.3 (MANE Select); 6 bases into the intron before coding-DNA position 1622, one base deleted (G; older notation c.1622-6delG).
Molecular consequence: intron variant.
Genome position (GRCh38, 1-based): chr7:152,250,972, C deleted on the plus strand (G on the coding strand, the reverse complement: KMT2C is on the minus strand). VCF-style (leftmost placement, unchanged base first): chr7-152250971-AC-A. GRCh37 (hg19) VCF-style: chr7-151948056-AC-A.
Other names: c.1622-6delG (NM_170606.3).
Identifiers: ClinVar variation 4746582 (VCV004746582.2).

ClinVar aggregate classification (germline): Likely benign. Review status: criteria provided, multiple submitters, no conflicts (2 of 4 stars). 2 submissions from 2 submitters: Likely benign (2). Last evaluated 2026-06-11.

Submissions (2):

Women's Health and Genetics/Laboratory Corporation of America, LabCorp
Classification: Likely benign. Last evaluated: 2026-06-11. Review status: criteria provided, single submitter. Criteria: LabCorp Variant Classification Summary - May 2015. Collection method: clinical testing. Allele origin: germline.
Comment: Variant summary: KMT2C c.1622-6delG alters a conserved nucleotide located at a position not widely known to affect splicing. The variant allele was found at a frequency of 4.1e-06 in 243846 control chromosomes. The available data on variant occurrences in the general population are insufficient to allow any conclusion about variant significance. To our knowledge, no occurrence of c.1622-6delG in individuals affected with KMT2C-related conditions and no experimental evidence demonstrating its impact on protein function have been reported. ClinVar contains an entry for this variant (Variation ID: 4746582). Based on the evidence outlined above, the variant was classified as likely benign.

Labcorp Genetics (formerly Invitae), Labcorp
Classification: Likely benign. Last evaluated: 2026-01-23. Review status: criteria provided, single submitter. Criteria: Invitae Variant Classification Sherloc (09022015). Collection method: clinical testing. Allele origin: germline.